The following is an entry in ClinVar:

NM_033380.3(COL4A5):c.4749_4750del (p.His1583fs)

Gene: COL4A5 (collagen type IV alpha 5 chain; plus strand). Cytogenetic location: Xq22.3.
Variant type: Microsatellite.
Coding change: c.4749_4750del on transcript NM_033380.3 (MANE Select); coding-DNA positions 4749 to 4750, 2 bases deleted (CA; older notation c.4749_4750delCA).
Protein change: p.His1583fs; shifts the reading frame from histidine 1583.
Molecular consequence: frameshift variant.
Genome position (GRCh38, 1-based): chrX:108,694,849-108,694,850, CA deleted; deleting any 2 consecutive bases within chrX:108,694,847-108,694,850 gives the same sequence; the c. name uses the placement nearest the transcript's 3' end. VCF-style (leftmost placement, unchanged base first): chrX-108694846-TCA-T. GRCh37 (hg19) VCF-style: chrX-107938076-TCA-T.
Other names: c.4731_4732del, p.His1577fs (NM_000495.5); c.4731_4732delCA (NM_000495.4); short protein forms H1583fs, H1577fs.
Identifiers: ClinVar variation 829935 (VCV000829935.10), dbSNP rs1603328025, ClinGen allele CA915951315.

ClinVar aggregate classification (germline): Pathogenic. Review status: criteria provided, multiple submitters, no conflicts (2 of 4 stars). 4 submissions from 4 submitters: Pathogenic (3). 1 of the submissions does not count toward it. Last evaluated 2025-10-08.

Conditions:
COL4A5-related disorder. Also called: COL4A5-related condition.
X-linked Alport syndrome (ATS1). Also called: COL4A5-Related Nephropathy; NEPHROPATHY AND DEAFNESS, X-LINKED. Identifiers: Orphanet 63, Orphanet 88917, MedGen C4746986, MONDO:0010520, OMIM 301050.

Submissions (4):

3billion
Classification: Pathogenic for X-linked Alport syndrome. Last evaluated: 2025-10-08. Review status: criteria provided, single submitter. Criteria: ACMG Guidelines, 2015. Collection method: clinical testing. Allele origin: germline. Affected: yes.
Comment: The variant is not observed in the gnomAD v4.1.0 dataset. Predicted Consequence/Location: Frameshift: predicted to result in a loss or disruption of normal protein function through nonsense-mediated decay (NMD) or protein truncation. Multiple pathogenic variants are reported downstream of the variant. The variant has been reported at least twice as pathogenic without evidence for the classification (ClinVar ID: VCV000829935 /PMID: 37100867 /3billion dataset). Therefore, this variant is classified as Pathogenic according to the recommendation of ACMG/AMP guideline.

PreventionGenetics, part of Exact Sciences
Classification: Pathogenic for COL4A5-related condition. Last evaluated: 2025-10-01. Review status: criteria provided, single submitter. Criteria: ACMG Guidelines, 2015. Collection method: clinical testing. Allele origin: germline.
Comment: The COL4A5 c.4731_4732delCA variant is predicted to result in a frameshift and premature protein termination (p.His1577Glnfs*62). This variant has been reported in an individual with features consistent with Alport syndrome (Supp. Table 1, Kim et al. 2023. PubMed ID: 37100867). This variant has not been reported in a large population database (gnomAD), indicating this variant is rare. Frameshift variants in COL4A5 are expected to be pathogenic. This variant is interpreted as pathogenic.

Labcorp Genetics (formerly Invitae), Labcorp
Classification: Pathogenic. Last evaluated: 2021-02-07. Review status: criteria provided, single submitter. Criteria: Invitae Variant Classification Sherloc (09022015). Collection method: clinical testing. Allele origin: germline.
Comment: For these reasons, this variant has been classified as Pathogenic. This variant has not been reported in the literature in individuals with COL4A5-related conditions. This variant is not present in population databases (ExAC no frequency). This sequence change creates a premature translational stop signal (p.His1577Glnfs*62) in the COL4A5 gene. It is expected to result in an absent or disrupted protein product. Loss-of-function variants in COL4A5 are known to be pathogenic (PMID: 9195222, 10752524, 14514738, 24854265, 26809805).

Bioscientia Institut fuer Medizinische Diagnostik GmbH, Sonic Healthcare
Classification: Pathogenic for X-linked Alport syndrome. Last evaluated: 2019-03-19. Review status: no assertion criteria provided. Collection method: clinical testing. Allele origin: germline. Affected: yes. Not counted in ClinVar's aggregate classification.

Literature cited by the submitters: PubMed 37100867 (cited by 3billion); PubMed 9195222 (cited by Labcorp Genetics (formerly Invitae), Labcorp); PubMed 10752524 (cited by Labcorp Genetics (formerly Invitae), Labcorp); PubMed 14514738 (cited by Labcorp Genetics (formerly Invitae), Labcorp); PubMed 24854265 (cited by Labcorp Genetics (formerly Invitae), Labcorp); PubMed 26809805 (cited by Labcorp Genetics (formerly Invitae), Labcorp).